The following is an entry in ClinVar:

NM_001220.5(CAMK2B):c.1618A>G (p.Lys540Glu)

Gene: CAMK2B (calcium/calmodulin dependent protein kinase II beta; minus strand). Cytogenetic location: 7p13.
Variant type: single nucleotide variant.
Coding change: c.1618A>G on transcript NM_001220.5 (MANE Select); coding-DNA position 1618, A replaced by G.
Protein change: p.Lys540Glu; replaces lysine 540 with glutamic acid.
Molecular consequence: missense variant.
Genome position (GRCh38, 1-based): chr7:44,220,881, T>C on the plus strand (A>G on the coding strand, the complement: CAMK2B is on the minus strand). VCF-style: chr7-44220881-T-C. GRCh37 (hg19) VCF-style: chr7-44260480-T-C.
Other names: c.1246A>G, p.Lys416Glu (NM_001293170.2, NM_172078.3); c.1174A>G, p.Lys392Glu (NM_172079.3, NM_172082.3); c.1171A>G, p.Lys391Glu (NM_172080.3); c.1129A>G, p.Lys377Glu (NM_172081.3); c.1057A>G, p.Lys353Glu (NM_172083.3); c.967A>G, p.Lys323Glu (NM_172084.3); short protein forms K323E, K353E, K377E, K391E, K392E, K416E, K540E.
Identifiers: ClinVar variation 3371751 (VCV003371751.2).

ClinVar aggregate classification (germline): Uncertain significance (1 of 4 stars; one submission).

gnomAD v4.1: 1 of 1,571,954 alleles (0.000064%); highest among the groups gnomAD compares: Non-Finnish European, 0.000086%; no homozygotes.

Submission:

GeneDx
Classification: Uncertain significance. Last evaluated: 2025-04-30. Review status: criteria provided, single submitter. Criteria: GeneDx Variant Classification Process June 2021. Collection method: clinical testing. Allele origin: germline. Affected: yes.
Comment: Not observed at significant frequency in large population cohorts (gnomAD); In silico analysis supports that this missense variant has a deleterious effect on protein structure/function; Has not been previously published as pathogenic or benign to our knowledge